The following is an entry in ClinVar:

NC_000022.11:g.(?_23825215)_(23825425_?)del

Gene: SMARCB1 (SWI/SNF related BAF chromatin remodeling complex subunit B1; plus strand). Cytogenetic location: 22q11.23.
Variant type: Deletion.
Identifiers: ClinVar variation 831705 (VCV000831705.7).

ClinVar aggregate classification (germline): Pathogenic (1 of 4 stars; one submission).

Submission:

Labcorp Genetics (formerly Invitae), Labcorp
Classification: Pathogenic. Last evaluated: 2019-07-18. Review status: criteria provided, single submitter. Criteria: Invitae Variant Classification Sherloc (09022015). Collection method: clinical testing. Allele origin: germline.
Comment: For these reasons, this variant has been classified as Pathogenic. Loss-of-function variants in SMARCB1 are known to be pathogenic (PMID: 10521299, 21208904). A similar deletion of exon 7 has been observed in an individual affected with rhabdoid tumor (PMID: 21108436). This variant is an out-of-frame deletion of the genomic region encompassing exon 7 of the SMARCB1 gene. This is expected to create a premature translational stop signal and result in an absent or disrupted protein product.

Literature cited by the submitters: PubMed 10521299; PubMed 21208904; PubMed 21108436.